The following is an entry in ClinVar:

NM_198578.4(LRRK2):c.2179T>G (p.Cys727Gly)

Gene: LRRK2 (leucine rich repeat kinase 2; plus strand). Cytogenetic location: 12q12.
Variant type: single nucleotide variant.
Coding change: c.2179T>G on transcript NM_198578.4 (MANE Select); coding-DNA position 2179, T replaced by G.
Protein change: p.Cys727Gly; replaces cysteine 727 with glycine.
Molecular consequence: missense variant.
Genome position (GRCh38, 1-based): chr12:40,278,199, T>G. VCF-style: chr12-40278199-T-G. GRCh37 (hg19) VCF-style: chr12-40672001-T-G.
Other names: short protein forms C727G.
Identifiers: ClinVar variation 3229545 (VCV003229545.1), dbSNP rs2499639164, ClinGen allele CA384405203.

ClinVar aggregate classification (germline): Uncertain significance (1 of 4 stars; one submission).

Conditions:
Inborn genetic diseases. Identifiers: MedGen C0950123, MeSH D030342.

Submission:

Ambry Genetics
Classification: Uncertain significance for Inborn genetic diseases. Last evaluated: 2023-12-29. Review status: criteria provided, single submitter. Criteria: Ambry Variant Classification Scheme 2023. Collection method: clinical testing. Allele origin: germline.
Comment: The p.C727G variant (also known as c.2179T>G), located in coding exon 18 of the LRRK2 gene, results from a T to G substitution at nucleotide position 2179. The cysteine at codon 727 is replaced by glycine, an amino acid with highly dissimilar properties. This amino acid position is conserved. In addition, this alteration is predicted to be deleterious by in silico analysis. Since supporting evidence is limited at this time, the clinical significance of this alteration remains unclear.